The following is an entry in ClinVar:

NM_000059.4(BRCA2):c.5364dup (p.Lys1789fs)

Gene: BRCA2 (BRCA2 DNA repair associated; plus strand). Cytogenetic location: 13q13.1.
Variant type: Duplication.
Coding change: c.5364dup on transcript NM_000059.4 (MANE Select); coding-DNA position 5364, one base duplicated (C; older notation c.5364dupC).
Protein change: p.Lys1789fs; shifts the reading frame from lysine 1789.
Molecular consequence: frameshift variant.
Genome position (GRCh38, 1-based): chr13:32,339,719, C duplicated; the last of 2 consecutive C bases (chr13:32,339,718-32,339,719); duplicating either gives the same sequence. VCF-style (leftmost placement, unchanged base first): chr13-32339717-T-TC. GRCh37 (hg19) VCF-style: chr13-32913854-T-TC.
Other names: c.5364dupC (NM_000059.3); short protein forms K1789fs.
Identifiers: ClinVar variation 89049 (VCV000089049.20), dbSNP rs587779364, ClinGen allele CA022147.

ClinVar aggregate classification (germline): Pathogenic. Review status: reviewed by expert panel (3 of 4 stars). 5 submissions from 5 submitters: Pathogenic (1). 4 of the submissions do not count toward it. Last evaluated 2016-09-08.

Conditions:
Hereditary breast ovarian cancer syndrome. Also called: Breast and ovarian cancer; Hereditary breast and ovarian cancer; Hereditary breast and ovarian cancer syndrome; BRCA1- and BRCA2-Associated Hereditary Breast and Ovarian Cancer; Hereditary breast and ovarian cancer syndrome (HBOC); Hereditary breast and/or ovarian cancer syndrome. Identifiers: Orphanet 145, MedGen C0677776, MeSH D061325, MONDO:0003582. Disease mechanism: loss of function.
Hereditary cancer-predisposing syndrome. Also called: Tumor predisposition; Hereditary Cancer Syndrome; Neoplastic Syndromes, Hereditary; Hereditary neoplastic syndrome. Identifiers: Orphanet 140162, MedGen C0027672, MeSH D009386, MONDO:0015356.
Familial cancer of breast. Also called: BREAST CANCER, FAMILIAL; hereditary breast carcinoma; Hereditary breast cancer. Identifiers: Orphanet 227535, MedGen C0346153, MONDO:0016419, OMIM 114480. Disease mechanism: loss of function.
Breast-ovarian cancer, familial, susceptibility to, 2 (BROVCA2). Also called: BRCA2 Hereditary Breast and Ovarian Cancer. Identifiers: Orphanet 145, MedGen C2675520, MONDO:0012933, OMIM 612555. Disease mechanism: loss of function.

Submissions (5):

Evidence-based Network for the Interpretation of Germline Mutant Alleles (ENIGMA)
Classification: Pathogenic for Breast-ovarian cancer, familial, susceptibility to, 2. Last evaluated: 2016-09-08. Review status: reviewed by expert panel. Criteria: ENIGMA BRCA1/2 Classification Criteria (2015). Collection method: curation. Allele origin: germline.
Comment: Variant allele predicted to encode a truncated non-functional protein.

Labcorp Genetics (formerly Invitae), Labcorp
Classification: Pathogenic for Hereditary breast ovarian cancer syndrome. Last evaluated: 2023-11-04. Review status: criteria provided, single submitter. Criteria: Invitae Variant Classification Sherloc (09022015). Collection method: clinical testing. Allele origin: germline. Not counted in ClinVar's aggregate classification.
Comment: This sequence change creates a premature translational stop signal (p.Lys1789Glnfs*18) in the BRCA2 gene. It is expected to result in an absent or disrupted protein product. Loss-of-function variants in BRCA2 are known to be pathogenic (PMID: 20104584). This variant is not present in population databases (gnomAD no frequency). This premature translational stop signal has been observed in individual(s) with metastatic prostate cancer (PMID: 27433846). ClinVar contains an entry for this variant (Variation ID: 89049). For these reasons, this variant has been classified as Pathogenic.

Color Diagnostics, LLC DBA Color Health
Classification: Pathogenic for Hereditary cancer-predisposing syndrome. Last evaluated: 2020-01-15. Review status: criteria provided, single submitter. Criteria: ACMG Guidelines, 2015. Collection method: clinical testing. Allele origin: germline. Not counted in ClinVar's aggregate classification.
Comment: This variant inserts 1 nucleotide in exon 11 of the BRCA2 gene, creating a frameshift and premature translation stop signal. This variant is expected to result in an absent or non-functional protein product. This variant has not been identified in the general population by the Genome Aggregation Database (gnomAD). Loss of BRCA2 function is a known mechanism of disease. Based on the available evidence, this variant is classified as Pathogenic.

Ambry Genetics
Classification: Pathogenic for Hereditary cancer-predisposing syndrome. Last evaluated: 2016-05-13. Review status: criteria provided, single submitter. Criteria: Ambry Variant Classification Scheme 2023. Collection method: clinical testing. Allele origin: germline. Not counted in ClinVar's aggregate classification.
Comment: The c.5364dupC pathogenic mutation, located in coding exon 10 of the BRCA2 gene, results from a duplication of C at nucleotide position 5364, causing a translational frameshift with a predicted alternate stop codon. This alteration is expected to result in loss of function by premature protein truncation or nonsense-mediated mRNA decay. As such, this alteration is interpreted as a disease-causing mutation.

GeneDx
Classification: Pathogenic for Familial cancer of breast. Last evaluated: 2013-10-04. Review status: criteria provided, single submitter. Criteria: GeneDx Variant Classification (06012015). Collection method: clinical testing. Allele origin: germline. Affected: yes. Not counted in ClinVar's aggregate classification.
Comment: This variant in exon 11 of the BRCA2 gene is denoted c.5364_5365insC (aka.c.5364dupC) at the cDNA level or p.Lys1789GlnfsX18 (K1789QfsX18) at the protein level according to current HGVS nomenclature guidelines. The normal sequence with the bases that are duplicated in braces is: TTTC{C}AAAG. The c.5364_5365insC variant in the BRCA2 gene causes a frameshift starting with a Lysine residue at codon 1789, changes this amino acid to a Glutamine residue and creates a premature Stop codon at position 18 of the new reading frame. This variant is predicted to cause loss of normal protein function either through protein truncation or nonsense-mediated mRNA decay. Although this variant has not been previously reported to our knowledge, its presence is consistent with Hereditary Breast and Ovarian Cancer (HBOC) syndrome. Hereditary Breast and Ovarian Cancer (HBOC) syndrome is an autosomal dominant condition that predisposes to breast and ovarian cancer as well as other cancers. The predominant BRCA2-related cancer risks for women who have not been diagnosed with cancer have been estimated as 41% - 84% lifetime risk for breast cancer and 11% -27% lifetime risk for ovarian cancer (Ford 1998, Risch 2006). BRCA2 variants have also been reported in women with fallopian tube carcinoma, primary peritoneal carcinoma, and uterine serous carcinoma (Levine 2003, Biron-Shental 2006). Women with BRCA1/2 variants also have an increased risk for contralateral breast cancer. Women with BRCA variants whose first cancer was diagnosed under age 40 have a 21-31% risk to develop a second breast cancer within 10 years and a 63% risk to develop a second breast cancer within 25 years. Women with BRCA variants whose first cancer was diagnosed between ages 40 and 50 have an 11-13% risk to develop a second breast cancer within 10 years and a 44-49% risk within 25 years. Women with BRCA variants whose first cancer was diagnosed after age 50 have an 8% risk to develop a second breast cancer within 10 years and a 20% risk within 25 years (Graeser 2009). Other cancer risks associated with a BRCA2 variant include up to a 7% risk for pancreatic cancer (Ozcelik 1997, The Breast Cancer Linkage Consortium 1999), up to a 34% risk for prostate cancer in male carriers (Thompson 2001), and up to a 7% risk for male breast cancer (Liede 2004). Fanconi Anemia (FA) is a rare autosomal recessive condition that can be caused by two variants (one affecting each allele) in the BRCA2 genes. This condition is characterized by an increased risk for malignancy in children including leukemia and certain solid tumors as well as physical abnormalities and bone marrow failure. If a BRCA2 variant carrier’s partner is also heterozygous for a BRCA2 variant, the risk to have a child with FA is 25% with each pregnancy.The variant is found in BRCA1-BRCA2 panel(s).

Literature cited by the submitters: PubMed 20104584 (cited by Labcorp Genetics (formerly Invitae), Labcorp); PubMed 27433846 (cited by Labcorp Genetics (formerly Invitae), Labcorp).